The following is an entry in ClinVar:

NM_005732.4(RAD50):c.2026G>A (p.Glu676Lys)

Gene: RAD50 (RAD50 double strand break repair protein; plus strand). Cytogenetic location: 5q31.1.
Variant type: single nucleotide variant.
Coding change: c.2026G>A on transcript NM_005732.4 (MANE Select); coding-DNA position 2026, G replaced by A.
Protein change: p.Glu676Lys; replaces glutamic acid 676 with lysine.
Molecular consequence: missense variant.
Genome position (GRCh38, 1-based): chr5:132,595,629, G>A. VCF-style: chr5-132595629-G-A. GRCh37 (hg19) VCF-style: chr5-131931321-G-A.
Other names: short protein forms E676K.
Identifiers: ClinVar variation 240222 (VCV000240222.10), dbSNP rs773761143, ClinGen allele CA3405320.

ClinVar aggregate classification (germline): Uncertain significance. Review status: criteria provided, multiple submitters, no conflicts (2 of 4 stars). 2 submissions from 2 submitters: Uncertain significance (2). Last evaluated 2025-04-01.

Conditions:
Hereditary cancer-predisposing syndrome. Also called: Neoplastic Syndromes, Hereditary; Hereditary neoplastic syndrome; Tumor predisposition; Hereditary Cancer Syndrome. Identifiers: Orphanet 140162, MedGen C0027672, MeSH D009386, MONDO:0015356.

gnomAD v4.1: 4 of 1,614,088 alleles (0.00025%); highest among the groups gnomAD compares: East Asian, 0.0045%; no homozygotes.

Submissions (2):

Labcorp Genetics (formerly Invitae), Labcorp
Classification: Uncertain significance for Hereditary cancer-predisposing syndrome. Last evaluated: 2025-04-01. Review status: criteria provided, single submitter. Criteria: Invitae Variant Classification Sherloc (09022015). Collection method: clinical testing. Allele origin: germline.
Comment: This sequence change replaces glutamic acid, which is acidic and polar, with lysine, which is basic and polar, at codon 676 of the RAD50 protein (p.Glu676Lys). This variant is present in population databases (rs773761143, gnomAD 0.003%). This variant has not been reported in the literature in individuals affected with RAD50-related conditions. ClinVar contains an entry for this variant (Variation ID: 240222). An algorithm developed to predict the effect of missense changes on protein structure and function (PolyPhen-2) suggests that this variant is likely to be tolerated. In summary, the available evidence is currently insufficient to determine the role of this variant in disease. Therefore, it has been classified as a Variant of Uncertain Significance.

Ambry Genetics
Classification: Uncertain significance for Hereditary cancer-predisposing syndrome. Last evaluated: 2023-05-24. Review status: criteria provided, single submitter. Criteria: Ambry Variant Classification Scheme 2023. Collection method: clinical testing. Allele origin: germline.
Comment: The p.E676K variant (also known as c.2026G>A), located in coding exon 13 of the RAD50 gene, results from a G to A substitution at nucleotide position 2026. The glutamic acid at codon 676 is replaced by lysine, an amino acid with similar properties. This amino acid position is well conserved in available vertebrate species. In addition, the in silico prediction for this alteration is inconclusive. Since supporting evidence is limited at this time, the clinical significance of this alteration remains unclear.